The following is an entry in ClinVar:

ClinVar aggregate classification (germline): Likely benign. Review status: criteria provided, multiple submitters, no conflicts (2 of 4 stars). 2 submissions from 2 submitters: Likely benign (2). Last evaluated 2018-01-13.

Conditions:
Multicentric osteolysis nodulosis arthropathy spectrum. Identifiers: Orphanet 3460, Orphanet 371428, MedGen C1850155, MONDO:0018298.

Allele frequency attached by ClinVar (database versions not stated): 1000 Genomes Project 30x 0.00047; 1000 Genomes Project 0.00060; TOPMed 0.00111; gnomAD exomes 0.00116; gnomAD 0.00124 and 0.00127.
gnomAD v4.1: 712 of 599,018 alleles (0.12%); highest among the groups gnomAD compares: Non-Finnish European, 0.17%; no homozygotes.

Submissions (2):

Illumina Laboratory Services, Illumina
Classification: Likely benign for Multicentric osteolysis, nodulosis, and arthropathy. Last evaluated: 2018-01-13. Review status: criteria provided, single submitter. Criteria: ICSL Variant Classification Criteria 13 December 2019. Collection method: clinical testing. Allele origin: germline.
Comment: This variant was observed in the ICSL laboratory as part of a predisposition screen in an ostensibly healthy population. It had not been previously curated by ICSL or reported in the Human Gene Mutation Database (HGMD: prior to June 1st, 2018), and was therefore a candidate for classification through an automated scoring system. Utilizing variant allele frequency, disease prevalence and penetrance estimates, and inheritance mode, an automated score was calculated to assess if this variant is too frequent to cause the disease. Based on the score and internal cut-off values, a variant classified as likely benign is not then subjected to further curation. The score for this variant resulted in a classification of likely benign for this disease.

Breakthrough Genomics
Classification: Likely benign. Review status: criteria provided, single submitter. Criteria: ACMG Guidelines, 2015. Collection method: not provided. Allele origin: germline. Inheritance: Autosomal recessive inheritance. Affected: yes.

NM_004530.6(MMP2):c.*212C>T

Gene: MMP2 (matrix metallopeptidase 2; plus strand). Cytogenetic location: 16q12.2.
Variant type: single nucleotide variant.
Coding change: c.*212C>T on transcript NM_004530.6 (MANE Select); 212 bases downstream of the stop codon, C replaced by T.
Molecular consequence: 3 prime UTR variant.
Genome position (GRCh38, 1-based): chr16:55,505,654, C>T. VCF-style: chr16-55505654-C-T. GRCh37 (hg19) VCF-style: chr16-55539566-C-T.
Other names: c.*212C>T (NM_001127891.3, NM_001302508.1, NM_001302509.2 and 1 more transcripts).
Identifiers: ClinVar variation 319774 (VCV000319774.6), dbSNP rs147506379, ClinGen allele CA10647742.
Genomic context (GRCh38, chr16:55,505,654, plus strand): 5'-CAGAGAGTGGCTCCTCCCGGTGCCCAAGAATAGATGCTGACTGTACTCCTCCCAGGCGCC[C>T]CTTCCCCCTCCAATCCCACCAACCCTCAGAGCCACCCCTAAAGAGATACTTTGATATTTT-3'